The following is an entry in ClinVar:

NC_000009.12:g.35658031TCACAGAGTAGT[4]

Gene: RMRP (RNA component of mitochondrial RNA processing endoribonuclease; minus strand). Cytogenetic location: 9p13.3.
Variant type: Microsatellite.
Genome position: GRCh38, VCF-style position (the base before the change): chr9:35,658,029. GRCh37 (hg19), VCF-style position (the base before the change): chr9:35,658,026.
Identifiers: ClinVar variation 1066082 (VCV001066082.9), dbSNP rs781730798, ClinGen allele CA2580616188.

ClinVar aggregate classification (germline): Likely pathogenic (1 of 4 stars; one submission).

Conditions:
Anauxetic dysplasia. Identifiers: Orphanet 93347, MedGen C1846796, MONDO:0011773.

Submission:

Labcorp Genetics (formerly Invitae), Labcorp
Classification: Likely pathogenic for Anauxetic dysplasia. Last evaluated: 2020-07-15. Review status: criteria provided, single submitter. Criteria: Invitae Variant Classification Sherloc (09022015). Collection method: clinical testing. Allele origin: germline.
Comment: The frequency data for this variant in the population databases is considered unreliable, as metrics indicate insufficient coverage at this position in the ExAC database. This variant occurs in the RMRP gene, which encodes an RNA molecule that does not result in a protein product. In summary, the currently available evidence indicates that the variant is pathogenic, but additional data are needed to prove that conclusively. Therefore, this variant has been classified as Likely Pathogenic. While functional studies for this variant have not been reported, experimental analyses using patient derived cells, as well as in vitro transfection studies, have shown that promoter insertions result in silencing of RMRP transcription and reduced expression of the gene product (PMID: 11207361, 16254002). While this particular variant has not been reported in the literature, it is located in the promoter region between the TATA box and the transcription initiation site, and other insertions and duplications immediately upstream of the coding sequence have been reported in individuals affected with cartilage-hair hypoplasia-anauxetic dysplasia (CHH-AD) spectrum disorders (PMID: 16244706, 11207361, 12107819).

Literature cited by the submitters: PubMed 11207361; PubMed 16254002; PubMed 16244706; PubMed 12107819.